The following is an entry in ClinVar:

ClinVar aggregate classification (germline): Uncertain significance (1 of 4 stars; one submission).

Submission:

Labcorp Genetics (formerly Invitae), Labcorp
Classification: Uncertain significance. Last evaluated: 2021-09-19. Review status: criteria provided, single submitter. Criteria: Invitae Variant Classification Sherloc (09022015). Collection method: clinical testing. Allele origin: germline.
Comment: This sequence change replaces proline with leucine at codon 1072 of the TUBGCP6 protein (p.Pro1072Leu). The proline residue is weakly conserved and there is a moderate physicochemical difference between proline and leucine. This variant is not present in population databases (ExAC no frequency). This variant has not been reported in the literature in individuals affected with TUBGCP6-related conditions. Algorithms developed to predict the effect of missense changes on protein structure and function output the following: SIFT: "Tolerated"; PolyPhen-2: "Benign"; Align-GVGD: "Class C0". The leucine amino acid residue is found in multiple mammalian species, which suggests that this missense change does not adversely affect protein function. In summary, the available evidence is currently insufficient to determine the role of this variant in disease. Therefore, it has been classified as a Variant of Uncertain Significance.

NM_020461.4(TUBGCP6):c.3215C>T (p.Pro1072Leu)

Gene: TUBGCP6 (tubulin gamma complex component 6; minus strand). Cytogenetic location: 22q13.33.
Variant type: single nucleotide variant.
Coding change: c.3215C>T on transcript NM_020461.4 (MANE Select); coding-DNA position 3215, C replaced by T.
Protein change: p.Pro1072Leu; replaces proline 1072 with leucine.
Molecular consequence: missense variant.
Genome position (GRCh38, 1-based): chr22:50,221,144, G>A on the plus strand (C>T on the coding strand, the complement: TUBGCP6 is on the minus strand). VCF-style: chr22-50221144-G-A. GRCh37 (hg19) VCF-style: chr22-50659573-G-A.
Other names: short protein forms P1072L.
Identifiers: ClinVar variation 1520313 (VCV001520313.6), dbSNP rs2147179186, ClinGen allele CA412184285.
Genomic context (GRCh38, chr22:50,221,144, plus strand): 5'-TCCCCTAAGCTGATGCTGGCATTGGATACGTGTCCGTGGGTGTTCCACCGTGGCTGGGTG[G>A]GAGCCACATCTGACACATTCTCCCCGACCCTGATGCTGGCGTCAGACACGTGCCCGTGGG-3'
Protein context (NP_065194.3, residues 1062-1082): RVGENVSDVA[Pro1072Leu]TQPRWNTHGH